The following is an entry in ClinVar:

NC_000008.10:g.(?_145737562)_145739175del

Gene: RECQL4 (RecQ like helicase 4; minus strand).
Variant type: Deletion.
Identifiers: ClinVar variation 1070865 (VCV001070865.2).

ClinVar aggregate classification (germline): Pathogenic (1 of 4 stars; one submission).

Conditions:
Baller-Gerold syndrome (BGS). Also called: CRANIOSYNOSTOSIS WITH RADIAL DEFECTS. Identifiers: Orphanet 1225, MedGen C0265308, MONDO:0009039, OMIM 218600.

Submission:

Labcorp Genetics (formerly Invitae), Labcorp
Classification: Pathogenic for Baller-Gerold syndrome. Last evaluated: 2020-09-11. Review status: criteria provided, single submitter. Criteria: Invitae Variant Classification Sherloc (09022015). Collection method: clinical testing. Allele origin: germline.
Comment: This variant is a complex sequence change that deletes the genomic region encompassing exons 13-17 and part of exon 18 and inserts 1 nucleotide in the RECQL4 gene (c.2059-79_3202delinsC). It is expected to disrupt RNA splicing and likely results in an absent or disrupted protein product. This variant has been observed to be homozygous in an individual affected with Baller-Gerold syndrome (PMID: 28358413). This variant disrupts the p.Arg1021 amino acid residue in RECQL4. Other variant(s) that disrupt this residue have been determined to be pathogenic (PMID: 15897384, 15964893, 23899764, 24635570). This suggests that this residue is clinically significant, and that variants that disrupt this residue are likely to be disease-causing. Loss-of-function variants in RECQL4 are known to be pathogenic (PMID: 12734318, 12952869). For these reasons, this variant has been classified as Pathogenic.

Literature cited by the submitters: PubMed 28358413; PubMed 15897384; PubMed 15964893; PubMed 23899764; PubMed 24635570; PubMed 12734318; PubMed 12952869.